The following is an entry in ClinVar:

ClinVar aggregate classification (germline): Uncertain significance (1 of 4 stars; one submission).

Conditions:
Congenital muscular dystrophy due to integrin alpha-7 deficiency. Also called: Congenital muscular dystrophy with integrin alpha-7 deficiency; Muscular dystrophy, congenital, due to ITGA7 deficiency; MYOPATHY, CONGENITAL, DUE TO INTEGRIN ALPHA-7 DEFICIENCY. Identifiers: Orphanet 34520, MedGen C2750786, MONDO:0013177, OMIM 613204.

Submission:

Labcorp Genetics (formerly Invitae), Labcorp
Classification: Uncertain significance for Congenital muscular dystrophy due to integrin alpha-7 deficiency. Last evaluated: 2023-10-15. Review status: criteria provided, single submitter. Criteria: Invitae Variant Classification Sherloc (09022015). Collection method: clinical testing. Allele origin: germline.
Comment: This sequence change falls in intron 24 of the ITGA7 gene. It does not directly change the encoded amino acid sequence of the ITGA7 protein. This variant is not present in population databases (gnomAD no frequency). This variant has not been reported in the literature in individuals affected with ITGA7-related conditions. Algorithms developed to predict the effect of sequence changes on RNA splicing suggest that this variant may disrupt the consensus splice site. In summary, the available evidence is currently insufficient to determine the role of this variant in disease. Therefore, it has been classified as a Variant of Uncertain Significance.

NM_002206.3(ITGA7):c.3184-5T>A

Gene: ITGA7 (integrin subunit alpha 7; minus strand). Cytogenetic location: 12q13.2.
Variant type: single nucleotide variant.
Coding change: c.3184-5T>A on transcript NM_002206.3 (MANE Select); 5 bases into the intron before coding-DNA position 3184, T replaced by A.
Molecular consequence: intron variant.
Genome position (GRCh38, 1-based): chr12:55,685,293, A>T on the plus strand (T>A on the coding strand, the complement: ITGA7 is on the minus strand). VCF-style: chr12-55685293-A-T. GRCh37 (hg19) VCF-style: chr12-56079077-A-T.
Other names: c.2905-5T>A (NM_001144997.2); c.2857-5T>A (NM_001367993.1); c.2845-5T>A (NM_001414035.1); c.3001-5T>A (NM_001414033.1); c.1840-5T>A (NM_001367994.1); c.3064-5T>A (NM_001414032.1); c.3097-5T>A (NM_001414031.1); c.3166-5T>A (NM_001374465.1); and 5 more.
Identifiers: ClinVar variation 2747370 (VCV002747370.3), dbSNP rs1434234473, ClinGen allele CA2697559286.